The following is an entry in ClinVar:

NM_177924.5(ASAH1):c.1186dup (p.Ter396LeuextTer?)

Gene: ASAH1 (N-acylsphingosine amidohydrolase 1; minus strand). Cytogenetic location: 8p22.
Variant type: Duplication.
Coding change: c.1186dup on transcript NM_177924.5 (MANE Select); coding-DNA position 1186, one base duplicated (T; older notation c.1186dupT).
Protein change: p.Ter396LeuextTer?.
Molecular consequence: frameshift variant, stop lost.
Genome position (GRCh38, 1-based): chr8:18,057,536, A duplicated on the plus strand (T on the coding strand, the reverse complement: ASAH1 is on the minus strand). VCF-style (leftmost placement, unchanged base first): chr8-18057535-C-CA. GRCh37 (hg19) VCF-style: chr8-17915044-C-CA.
Other names: c.1186_1187insT (NM_177924.5); c.1168dup, p.Ter390LeuextTer? (NM_001127505.3); c.991dup, p.Ter331LeuextTer? (NM_001363743.2); c.1234dup, p.Ter412LeuextTer? (NM_004315.6).
Identifiers: ClinVar variation 812505 (VCV000812505.1), dbSNP rs1588971545, ClinGen allele CA915945620.

ClinVar aggregate classification (germline): Uncertain significance (1 of 4 stars; one submission).

Conditions:
Farber lipogranulomatosis (FRBRL). Also called: AC DEFICIENCY; ACID CERAMIDASE DEFICIENCY; CERAMIDASE DEFICIENCY; N-LAURYLSPHINGOSINE DEACYLASE DEFICIENCY; Farber's lipogranulomatosis; Farber's disease. Identifiers: Orphanet 333, MedGen C0268255, MONDO:0009218, OMIM 228000.

Submission:

Medical Affairs, Dicerna Pharmaceuticals
Classification: Uncertain significance for Farber lipogranulomatosis. Last evaluated: 2019-07-03. Review status: criteria provided, single submitter. Criteria: ACMG Guidelines, 2015. Collection method: literature only. Allele origin: unknown. Inheritance: Autosomal recessive inheritance. Affected: yes. Observed: 1 variant allele.
Comment: Variant c.1186_1187insT is described in Zhang et al., 2000. This variant was identified on a single ASAH1 allele from a patient diagnosed with Farber disease. No additional supportive information was given to determine the clinical significance of variant c.1186_1187insT.

Literature cited by the submitters: DOI 10.1006/mgme.2000.3029.